The following is an entry in ClinVar:

NM_024757.5(EHMT1):c.46C>T (p.Gln16Ter)

Gene: EHMT1 (euchromatic histone lysine methyltransferase 1; plus strand). Cytogenetic location: 9q34.3.
Variant type: single nucleotide variant.
Coding change: c.46C>T on transcript NM_024757.5 (MANE Select); coding-DNA position 46, C replaced by T.
Protein change: p.Gln16Ter; replaces glutamine 16 with a stop codon.
Molecular consequence: nonsense. On other transcripts: intron variant (2).
Genome position (GRCh38, 1-based): chr9:137,710,991, C>T. VCF-style: chr9-137710991-C-T. GRCh37 (hg19) VCF-style: chr9-140605443-C-T.
Other names: c.46C>T, p.Gln16Ter (NM_001145527.2, NM_001354263.2, NM_001354611.2); c.-8-5635C>T (NM_001354259.2, NM_001354612.2); short protein forms Q16*.
Identifiers: ClinVar variation 3686449 (VCV003686449.2).

ClinVar aggregate classification (germline): Pathogenic (1 of 4 stars; one submission).

Conditions:
Kleefstra syndrome 1 (KLEFS1). Identifiers: Orphanet 261494, MedGen C0795833, MONDO:0027407, OMIM 610253.

Submission:

Labcorp Genetics (formerly Invitae), Labcorp
Classification: Pathogenic for Kleefstra syndrome 1. Last evaluated: 2024-10-17. Review status: criteria provided, single submitter. Criteria: Invitae Variant Classification Sherloc (09022015). Collection method: clinical testing. Allele origin: germline.
Comment: This sequence change creates a premature translational stop signal (p.Gln16*) in the EHMT1 gene. It is expected to result in an absent or disrupted protein product. Loss-of-function variants in EHMT1 are known to be pathogenic (PMID: 16826528, 19264732). This variant is not present in population databases (gnomAD no frequency). This variant has not been reported in the literature in individuals affected with EHMT1-related conditions. For these reasons, this variant has been classified as Pathogenic.

Literature cited by the submitters: PubMed 16826528; PubMed 19264732.